The following is an entry in ClinVar:

NM_001303256.3(MORC2):c.1816C>A (p.Pro606Thr)

Gene: MORC2 (MORC family CW-type zinc finger 2; minus strand). Cytogenetic location: 22q12.2.
Variant type: single nucleotide variant.
Coding change: c.1816C>A on transcript NM_001303256.3 (MANE Select); coding-DNA position 1816, C replaced by A.
Protein change: p.Pro606Thr; replaces proline 606 with threonine.
Molecular consequence: missense variant.
Genome position (GRCh38, 1-based): chr22:30,935,158, G>T on the plus strand (C>A on the coding strand, the complement: MORC2 is on the minus strand). VCF-style: chr22-30935158-G-T. GRCh37 (hg19) VCF-style: chr22-31331145-G-T.
Other names: c.1816C>A, p.Pro606Thr (NM_001303257.2); c.1630C>A, p.Pro544Thr (NM_014941.3); short protein forms P544T, P606T.
Identifiers: ClinVar variation 1700526 (VCV001700526.2), dbSNP rs779836770, ClinGen allele CA411236049.

ClinVar aggregate classification (germline): Uncertain significance (1 of 4 stars; one submission).

gnomAD v4.1: 1 of 1,611,628 alleles (0.000062%); highest among the groups gnomAD compares: Admixed American, 0.0017%; no homozygotes.

Submission:

GeneDx
Classification: Uncertain significance. Last evaluated: 2022-01-25. Review status: criteria provided, single submitter. Criteria: GeneDx Variant Classification Process June 2021. Collection method: clinical testing. Allele origin: germline. Affected: yes.
Comment: Not observed at significant frequency in large population cohorts (gnomAD); In silico analysis supports that this missense variant does not alter protein structure/function; Has not been previously published as pathogenic or benign to our knowledge